The following is an entry in ClinVar:

NM_003190.5(TAPBP):c.1292G>C (p.Gly431Ala)

Gene: TAPBP (TAP binding protein; minus strand). Cytogenetic location: 6p21.32.
Variant type: single nucleotide variant.
Coding change: c.1292G>C on transcript NM_003190.5 (MANE Select); coding-DNA position 1292, G replaced by C.
Protein change: p.Gly431Ala; replaces glycine 431 with alanine.
Molecular consequence: missense variant.
Genome position (GRCh38, 1-based): chr6:33,304,136, C>G on the plus strand (G>C on the coding strand, the complement: TAPBP is on the minus strand). VCF-style: chr6-33304136-C-G. GRCh37 (hg19) VCF-style: chr6-33271913-C-G.
Other names: c.1292G>C, p.Gly431Ala (NM_001410875.1, NM_172208.3); c.1031G>C, p.Gly344Ala (NM_172209.3); short protein forms G344A, G431A.
Identifiers: ClinVar variation 2155960 (VCV002155960.4), dbSNP rs1262954313, ClinGen allele CA363686813.

ClinVar aggregate classification (germline): Uncertain significance (1 of 4 stars; one submission).

Conditions:
MHC class I deficiency. Identifiers: Orphanet 34592, MedGen C6024714, MONDO:0011476.

Allele frequency attached by ClinVar (database versions not stated): gnomAD exomes 0.00001.
gnomAD v4.1: 15 of 1,613,160 alleles (0.00093%); highest among the groups gnomAD compares: Non-Finnish European, 0.0012%; no homozygotes.

Submission:

Labcorp Genetics (formerly Invitae), Labcorp
Classification: Uncertain significance for MHC class I deficiency 1. Last evaluated: 2023-01-29. Review status: criteria provided, single submitter. Criteria: Invitae Variant Classification Sherloc (09022015). Collection method: clinical testing. Allele origin: germline.
Comment: This sequence change replaces glycine, which is neutral and non-polar, with alanine, which is neutral and non-polar, at codon 431 of the TAPBP protein (p.Gly431Ala). This variant is not present in population databases (gnomAD no frequency). This variant has not been reported in the literature in individuals affected with TAPBP-related conditions. Algorithms developed to predict the effect of missense changes on protein structure and function (SIFT, PolyPhen-2, Align-GVGD) all suggest that this variant is likely to be tolerated. In summary, the available evidence is currently insufficient to determine the role of this variant in disease. Therefore, it has been classified as a Variant of Uncertain Significance.